The following is an entry in ClinVar:

NM_182925.5(FLT4):c.1657+5G>C

Gene: FLT4 (fms related receptor tyrosine kinase 4; minus strand). Cytogenetic location: 5q35.3.
Variant type: single nucleotide variant.
Coding change: c.1657+5G>C on transcript NM_182925.5 (MANE Select); 5 bases into the intron after coding-DNA position 1657, G replaced by C.
Molecular consequence: intron variant.
Genome position (GRCh38, 1-based): chr5:180,622,726, C>G on the plus strand (G>C on the coding strand, the complement: FLT4 is on the minus strand). VCF-style: chr5-180622726-C-G. GRCh37 (hg19) VCF-style: chr5-180049726-C-G.
Other names: c.1657+5G>C (NM_001354989.2, NM_002020.5).
Identifiers: ClinVar variation 2695390 (VCV002695390.3), dbSNP rs2480933001, ClinGen allele CA2697546591.

ClinVar aggregate classification (germline): Uncertain significance (1 of 4 stars; one submission).

Submission:

Labcorp Genetics (formerly Invitae), Labcorp
Classification: Uncertain significance. Last evaluated: 2023-11-12. Review status: criteria provided, single submitter. Criteria: Invitae Variant Classification Sherloc (09022015). Collection method: clinical testing. Allele origin: germline.
Comment: This sequence change falls in intron 12 of the FLT4 gene. It does not directly change the encoded amino acid sequence of the FLT4 protein. It affects a nucleotide within the consensus splice site. This variant is not present in population databases (gnomAD no frequency). This variant has not been reported in the literature in individuals affected with FLT4-related conditions. Variants that disrupt the consensus splice site are a relatively common cause of aberrant splicing (PMID: 17576681, 9536098). Algorithms developed to predict the effect of sequence changes on RNA splicing suggest that this variant may disrupt the consensus splice site. In summary, the available evidence is currently insufficient to determine the role of this variant in disease. Therefore, it has been classified as a Variant of Uncertain Significance.

Literature cited by the submitters: PubMed 17576681; PubMed 9536098.